The following is an entry in ClinVar:

NM_005654.6(NR2F1):c.755T>C (p.Leu252Pro)

Gene: NR2F1 (nuclear receptor subfamily 2 group F member 1; plus strand). Cytogenetic location: 5q15.
Variant type: single nucleotide variant.
Coding change: c.755T>C on transcript NM_005654.6 (MANE Select); coding-DNA position 755, T replaced by C.
Protein change: p.Leu252Pro; replaces leucine 252 with proline.
Molecular consequence: missense variant.
Genome position (GRCh38, 1-based): chr5:93,588,208, T>C. VCF-style: chr5-93588208-T-C. GRCh37 (hg19) VCF-style: chr5-92923914-T-C.
Other names: c.755T>C (NM_005654.4); short protein forms L252P.
Identifiers: ClinVar variation 126495 (VCV000126495.5), dbSNP rs587777276, ClinGen allele CA331789.

ClinVar aggregate classification (germline): Likely pathogenic. Review status: criteria provided, multiple submitters, no conflicts (2 of 4 stars). 3 submissions from 3 submitters: Likely pathogenic (2). 1 of the submissions does not count toward it. Last evaluated 2024-04-30.

Conditions:
Bosch-Boonstra-Schaaf optic atrophy syndrome (BBSOAS). Also called: NR2F1-Related Neurodevelopmental Disorder. Identifiers: Orphanet 401777, MedGen C3810363, MONDO:0014320, OMIM 615722.

Submissions (3):

GeneDx
Classification: Likely pathogenic. Last evaluated: 2024-04-30. Review status: criteria provided, single submitter. Criteria: GeneDx Variant Classification Process June 2021. Collection method: clinical testing. Allele origin: germline. Affected: yes.
Comment: Not observed at significant frequency in large population cohorts (gnomAD); In silico analysis supports that this missense variant has a deleterious effect on protein structure/function; This variant is associated with the following publications: (PMID: 36221391, 38511490, 26986877, 34837429, 32412696, 24462372)

Lupski Lab, Baylor-Hopkins CMG, Baylor College of Medicine
Classification: Likely pathogenic for Bosch-Boonstra-Schaaf optic atrophy syndrome. Last evaluated: 2014-02-06. Review status: criteria provided, single submitter. Criteria: Bosch et al. (AJHG 2014). Collection method: research. Allele origin: de novo. Inheritance: Autosomal dominant inheritance. Affected: yes. Observed: 1 variant allele, 1 heterozygote.

OMIM
Classification: Pathogenic for BOSCH-BOONSTRA-SCHAAF OPTIC ATROPHY SYNDROME. Last evaluated: 2014-02-06. Review status: no assertion criteria provided. Collection method: literature only. Allele origin: germline. Not counted in ClinVar's aggregate classification.

Literature cited by the submitters: PubMed 24462372 (cited by OMIM).